The following is an entry in ClinVar:

ClinVar aggregate classification (germline): Likely benign. Review status: criteria provided, multiple submitters, no conflicts (2 of 4 stars). 4 submissions from 4 submitters: Likely benign (4). Last evaluated 2021-08-27.

Conditions:
Cardiovascular phenotype. Identifiers: MedGen CN230736.
Long QT syndrome (LQTS). Identifiers: MedGen C0023976, MeSH D008133, MONDO:0002442. Disease mechanism: loss of function. Inheritance: Various modes of inheritance.
Cardiac arrhythmia, ankyrin-B-related. Also called: ANKYRIN-B SYNDROME. Identifiers: Orphanet 101016, Orphanet 768, MedGen C1970119, MONDO:0010958, OMIM 600919.

Allele frequency attached by ClinVar (database versions not stated): ExAC 0.00002; gnomAD exomes 0.00002 and 0.00003; TOPMed 0.00004; ESP Exome Variant Server 0.00008.
gnomAD v4.1: 42 of 1,613,288 alleles (0.0026%); highest among the groups gnomAD compares: Non-Finnish European, 0.0031%; no homozygotes.

Submissions (4):

Fulgent Genetics
Classification: Likely benign for Cardiac arrhythmia, ankyrin-B-related. Last evaluated: 2021-08-27. Review status: criteria provided, single submitter. Criteria: ACMG Guidelines, 2015. Collection method: clinical testing. Allele origin: unknown.

Ambry Genetics
Classification: Likely benign for Cardiovascular phenotype. Last evaluated: 2021-05-07. Review status: criteria provided, single submitter. Criteria: Ambry Variant Classification Scheme 2023. Collection method: clinical testing. Allele origin: germline.

Labcorp Genetics (formerly Invitae), Labcorp
Classification: Likely benign for Long QT syndrome. Last evaluated: 2020-08-06. Review status: criteria provided, single submitter. Criteria: Invitae Variant Classification Sherloc (09022015). Collection method: clinical testing. Allele origin: germline.

GeneDx
Classification: Likely benign. Last evaluated: 2018-01-26. Review status: criteria provided, single submitter. Criteria: GeneDx Variant Classification (06012015). Collection method: clinical testing. Allele origin: germline. Affected: yes.
Comment: This variant is considered likely benign or benign based on one or more of the following criteria: it is a conservative change, it occurs at a poorly conserved position in the protein, it is predicted to be benign by multiple in silico algorithms, and/or has population frequency not consistent with disease.

NM_001148.6(ANK2):c.9681C>T (p.Thr3227=)

Gene: ANK2 (ankyrin 2; plus strand). Cytogenetic location: 4q26.
Variant type: single nucleotide variant.
Coding change: c.9681C>T on transcript NM_001148.6 (MANE Select); coding-DNA position 9681, C replaced by T.
Protein change: p.Thr3227=; no amino-acid change (threonine 3227 retained).
Molecular consequence: synonymous variant. On other transcripts: intron variant (68).
Genome position (GRCh38, 1-based): chr4:113,358,299, C>T. VCF-style: chr4-113358299-C-T. GRCh37 (hg19) VCF-style: chr4-114279455-C-T.
Other names: c.9447C>T, p.Thr3149= (NM_001386142.1); c.6081C>T, p.Thr2027= (NM_001386166.1); c.9822C>T, p.Thr3274= (NM_001386174.1); c.9798C>T, p.Thr3266= (NM_001386175.1); c.4412-2524C>T (NM_001386186.2, NM_001386148.2); c.4214-2524C>T (NM_001354269.3); c.4292-2524C>T (NM_001386187.2); c.4253-2524C>T (NM_001386147.1); and 35 more.
Identifiers: ClinVar variation 515081 (VCV000515081.11), dbSNP rs144466117, ClinGen allele CA3051963.